The following is an entry in ClinVar:

NM_001387430.1(SH2B1):c.1229C>T (p.Ser410Phe)

Gene: SH2B1 (SH2B adaptor protein 1; plus strand). Cytogenetic location: 16p11.2.
Variant type: single nucleotide variant.
Coding change: c.1229C>T on transcript NM_001387430.1 (MANE Select); coding-DNA position 1229, C replaced by T.
Protein change: p.Ser410Phe; replaces serine 410 with phenylalanine.
Molecular consequence: missense variant.
Genome position (GRCh38, 1-based): chr16:28,869,303, C>T. VCF-style: chr16-28869303-C-T. GRCh37 (hg19) VCF-style: chr16-28880624-C-T.
Other names: c.1229C>T (NM_001145795.1); c.1229C>T, p.Ser410Phe (NM_001145795.2, NM_001145796.2, NM_001145797.2 and 4 more transcripts); c.221C>T, p.Ser74Phe (NM_001308294.2); short protein forms S74F, S410F.
Identifiers: ClinVar variation 2050916 (VCV002050916.7), dbSNP rs115698674, ClinGen allele CA7986138.

ClinVar aggregate classification (germline): Conflicting classifications of pathogenicity. Review status: criteria provided, conflicting classifications (1 of 4 stars). 3 submissions from 3 submitters: Uncertain significance (1); Likely benign (1). 1 of the submissions does not count toward it. Last evaluated 2025-08-13.

Conditions:
SH2B1-related disorder. Also called: SH2B1-related condition.

Allele frequency attached by ClinVar (database versions not stated): ExAC 0.00020; 1000 Genomes Project 0.00060; 1000 Genomes Project 30x 0.00094; TOPMed 0.00111; ESP Exome Variant Server 0.00131.

Submissions (3):

Ambry Genetics
Classification: Uncertain significance. Last evaluated: 2025-08-13. Review status: criteria provided, single submitter. Criteria: Ambry Variant Classification Scheme 2023. Collection method: clinical testing. Allele origin: germline.

Labcorp Genetics (formerly Invitae), Labcorp
Classification: Likely benign. Last evaluated: 2025-07-16. Review status: criteria provided, single submitter. Criteria: Invitae Variant Classification Sherloc (09022015). Collection method: clinical testing. Allele origin: germline.

PreventionGenetics, part of Exact Sciences
Classification: Likely benign for SH2B1-related condition. Last evaluated: 2019-09-05. Review status: no assertion criteria provided. Collection method: clinical testing. Allele origin: germline. Not counted in ClinVar's aggregate classification.
Comment: This variant is classified as likely benign based on ACMG/AMP sequence variant interpretation guidelines (Richards et al. 2015 PMID: 25741868, with internal and published modifications).